The following is an entry in ClinVar:

NM_000090.4(COL3A1):c.1578A>G (p.Arg526=)

Gene: COL3A1 (collagen type III alpha 1 chain; plus strand). Cytogenetic location: 2q32.2.
Variant type: single nucleotide variant.
Coding change: c.1578A>G on transcript NM_000090.4 (MANE Select); coding-DNA position 1578, A replaced by G.
Protein change: p.Arg526=; no amino-acid change (arginine 526 retained).
Molecular consequence: synonymous variant.
Genome position (GRCh38, 1-based): chr2:188,995,760, A>G. VCF-style: chr2-188995760-A-G. GRCh37 (hg19) VCF-style: chr2-189860486-A-G.
Identifiers: ClinVar variation 3386450 (VCV003386450.1).

ClinVar aggregate classification (germline): Likely benign (1 of 4 stars; one submission).

Conditions:
Ehlers-Danlos syndrome, type 4 (EDSVASC). Also called: Ehlers-Danlos syndrome vascular type; Ehlers Danlos syndrome, ecchymotic type; Ehlers Danlos syndrome, arterial type; Ehlers Danlos syndrome, Sack-Barabas type; Ehlers-Danlos Syndrome Type IV. Identifiers: Orphanet 286, MedGen C0268338, MONDO:0017314, OMIM 130050.

Submission:

All of Us Research Program, National Institutes of Health
Classification: Likely benign for Ehlers-Danlos syndrome, type 4. Last evaluated: 2024-08-13. Review status: criteria provided, single submitter. Criteria: ACMG Guidelines, 2015. Collection method: clinical testing. Allele origin: germline. Inheritance: Autosomal dominant inheritance. Observed: 1 variant allele, 1 heterozygote.
Comment: This study involves interpretation of variants in research participants for the purpose of population health screening. Participant phenotype was not available at the time of variant classification. Additional details can be found in publication PMID: 35346344, PMCID: PMC8962531